The following is an entry in ClinVar:

NM_000540.3(RYR1):c.7673T>C (p.Val2558Ala)

Gene: RYR1 (ryanodine receptor 1; plus strand). Cytogenetic location: 19q13.2.
Variant type: single nucleotide variant.
Coding change: c.7673T>C on transcript NM_000540.3 (MANE Select); coding-DNA position 7673, T replaced by C.
Protein change: p.Val2558Ala; replaces valine 2558 with alanine.
Molecular consequence: missense variant.
Genome position (GRCh38, 1-based): chr19:38,502,565, T>C. VCF-style: chr19-38502565-T-C. GRCh37 (hg19) VCF-style: chr19-38993205-T-C.
Other names: c.7673T>C, p.Val2558Ala (NM_001042723.2); short protein forms V2558A.
Identifiers: ClinVar variation 1467932 (VCV001467932.6), dbSNP rs777134421, ClinGen allele CA069957.
Genomic context (GRCh38, chr19:38,502,565, plus strand): 5'-AGGCCACTTTCAGCACCACCGAGATGGCGCTGGCGCTGAACCGCTACCTGTGCCTGGCCG[T>C]GCTGCCGCTCATCACCAAGTGTGCGCCGCTCTTTGCGGGCACAGAACACCGCGCCATCAT-3'
Protein context (NP_000531.2, residues 2548-2568): LALNRYLCLA[Val2558Ala]LPLITKCAPL

ClinVar aggregate classification (germline): Uncertain significance. Review status: criteria provided, multiple submitters, no conflicts (2 of 4 stars). 2 submissions from 2 submitters: Uncertain significance (2). Last evaluated 2025-10-20.

Conditions:
RYR1-related disorder. Also called: RYR1-related condition; RYR1-related disorders. Identifiers: MedGen CN239331.
Malignant hyperthermia, susceptibility to, 1 (MHS1). Also called: RYR1-Related Malignant Hyperthermia Susceptibility; Malignant hyperthermia suceptibility 1; Anesthesia related hyperthermia; Malignant hyperpyrexia; Fulminating hyperpyrexia; Pharmacogenic myopathy. Identifiers: Orphanet 423, MedGen C2930980, MONDO:0007783, OMIM 145600.

Allele frequency attached by ClinVar (database versions not stated): ExAC 0.00001; gnomAD 0.00001; gnomAD exomes 0.00001; TOPMed 0.00002.
gnomAD v4.1: 5 of 1,611,760 alleles (0.00031%); highest among the groups gnomAD compares: East Asian, 0.011%; no homozygotes.

Submissions (2):

Color Diagnostics, LLC DBA Color Health
Classification: Uncertain significance for Malignant hyperthermia, susceptibility to, 1. Last evaluated: 2025-10-20. Review status: criteria provided, single submitter. Criteria: ACMG Guidelines, 2015. Collection method: clinical testing. Allele origin: germline.
Comment: This missense variant replaces valine with alanine at codon 2558 of the RYR1 protein. Computational prediction is inconclusive regarding the impact of this variant on protein structure and function. To our knowledge, functional studies have not been reported for this variant. This variant has not been reported in individuals affected with RYR1-related disorders in the literature. This variant has been identified in 2/249724 chromosomes in the general population by the Genome Aggregation Database (gnomAD). The available evidence is insufficient to determine the role of this variant in disease conclusively. Therefore, this variant is classified as a Variant of Uncertain Significance.

Labcorp Genetics (formerly Invitae), Labcorp
Classification: Uncertain significance for RYR1-related disorder. Last evaluated: 2022-06-27. Review status: criteria provided, single submitter. Criteria: Invitae Variant Classification Sherloc (09022015). Collection method: clinical testing. Allele origin: germline.
Comment: This sequence change replaces valine, which is neutral and non-polar, with alanine, which is neutral and non-polar, at codon 2558 of the RYR1 protein (p.Val2558Ala). This variant is present in population databases (rs777134421, gnomAD 0.01%). This variant has not been reported in the literature in individuals affected with RYR1-related conditions. Advanced modeling of protein sequence and biophysical properties (such as structural, functional, and spatial information, amino acid conservation, physicochemical variation, residue mobility, and thermodynamic stability) performed at Invitae indicates that this missense variant is not expected to disrupt RYR1 protein function. In summary, the available evidence is currently insufficient to determine the role of this variant in disease. Therefore, it has been classified as a Variant of Uncertain Significance.